The following is an entry in ClinVar:

NM_001001331.4(ATP2B2):c.130G>C (p.Val44Leu)

Gene: ATP2B2 (ATPase plasma membrane Ca2+ transporting 2; minus strand). Cytogenetic location: 3p25.3.
Variant type: single nucleotide variant.
Coding change: c.130G>C on transcript NM_001001331.4 (MANE Select); coding-DNA position 130, G replaced by C.
Protein change: p.Val44Leu; replaces valine 44 with leucine.
Molecular consequence: missense variant.
Genome position (GRCh38, 1-based): chr3:10,449,414, C>G on the plus strand (G>C on the coding strand, the complement: ATP2B2 is on the minus strand). VCF-style: chr3-10449414-C-G. GRCh37 (hg19) VCF-style: chr3-10491098-C-G.
Other names: c.130G>C, p.Val44Leu (NM_001330611.3, NM_001353564.1, NM_001363862.1 and 1 more transcripts); short protein forms V44L.
Identifiers: ClinVar variation 2873094 (VCV002873094.3), dbSNP rs779131837, ClinGen allele CA2254105.

ClinVar aggregate classification (germline): Uncertain significance (1 of 4 stars; one submission).

Allele frequency attached by ClinVar (database versions not stated): gnomAD exomes below 0.00001; TOPMed below 0.00001; ExAC 0.00001; gnomAD 0.00001.
gnomAD v4.1: 4 of 1,614,122 alleles (0.00025%); highest among the groups gnomAD compares: East Asian, 0.0089%; no homozygotes.

Submission:

Labcorp Genetics (formerly Invitae), Labcorp
Classification: Uncertain significance. Last evaluated: 2023-12-20. Review status: criteria provided, single submitter. Criteria: Invitae Variant Classification Sherloc (09022015). Collection method: clinical testing. Allele origin: germline.
Comment: This sequence change replaces valine, which is neutral and non-polar, with leucine, which is neutral and non-polar, at codon 44 of the ATP2B2 protein (p.Val44Leu). This variant is present in population databases (rs779131837, gnomAD 0.006%). This variant has not been reported in the literature in individuals affected with ATP2B2-related conditions. Advanced modeling of protein sequence and biophysical properties (such as structural, functional, and spatial information, amino acid conservation, physicochemical variation, residue mobility, and thermodynamic stability) performed at Invitae indicates that this missense variant is not expected to disrupt ATP2B2 protein function with a negative predictive value of 80%. In summary, the available evidence is currently insufficient to determine the role of this variant in disease. Therefore, it has been classified as a Variant of Uncertain Significance.